The following is an entry in ClinVar:

ClinVar aggregate classification (germline): Uncertain significance (1 of 4 stars; one submission).

Conditions:
Dilated cardiomyopathy 1KK (CMD1KK). Identifiers: Orphanet 154, Orphanet 75249, MedGen C3714995, MONDO:0014100, OMIM 615248.

Allele frequency attached by ClinVar (database versions not stated): gnomAD exomes below 0.00001; gnomAD 0.00001; TOPMed 0.00002.

Submission:

Labcorp Genetics (formerly Invitae), Labcorp
Classification: Uncertain significance for Dilated cardiomyopathy 1KK. Last evaluated: 2021-10-06. Review status: criteria provided, single submitter. Criteria: Invitae Variant Classification Sherloc (09022015). Collection method: clinical testing. Allele origin: germline.
Comment: This sequence change replaces methionine with valine at codon 1082 of the MYPN protein (p.Met1082Val). The methionine residue is highly conserved and there is a small physicochemical difference between methionine and valine. This variant is not present in population databases (ExAC no frequency). This variant has not been reported in the literature in individuals affected with MYPN-related conditions. Algorithms developed to predict the effect of missense changes on protein structure and function (SIFT, PolyPhen-2, Align-GVGD) all suggest that this variant is likely to be tolerated. In summary, the available evidence is currently insufficient to determine the role of this variant in disease. Therefore, it has been classified as a Variant of Uncertain Significance.

NM_032578.4(MYPN):c.3244A>G (p.Met1082Val)

Gene: MYPN (myopalladin; plus strand). Cytogenetic location: 10q21.3.
Variant type: single nucleotide variant.
Coding change: c.3244A>G on transcript NM_032578.4 (MANE Select); coding-DNA position 3244, A replaced by G.
Protein change: p.Met1082Val; replaces methionine 1082 with valine.
Molecular consequence: missense variant. On other transcripts: non-coding transcript variant (2).
Genome position (GRCh38, 1-based): chr10:68,197,437, A>G. VCF-style: chr10-68197437-A-G. GRCh37 (hg19) VCF-style: chr10-69957194-A-G.
Other names: c.3244A>G, p.Met1082Val (NM_001256267.2); c.2362A>G, p.Met788Val (NM_001256268.2); short protein forms M1082V, M788V.
Identifiers: ClinVar variation 1521232 (VCV001521232.3), dbSNP rs970434165, ClinGen allele CA208224419.